The following is an entry in ClinVar:

ClinVar aggregate classification (germline): Likely pathogenic (1 of 4 stars; one submission).

Submission:

GeneDx
Classification: Likely pathogenic. Last evaluated: 2025-07-16. Review status: criteria provided, single submitter. Criteria: GeneDx Variant Classification Process June 2021. Collection method: clinical testing. Allele origin: germline.
Comment: Not observed at significant frequency in large population cohorts (gnomAD); In silico analysis supports that this missense variant has a deleterious effect on protein structure/function; Has not been previously published as pathogenic or benign to our knowledge

NM_003545.4(H4C5):c.221C>T (p.Thr74Met)

Gene: H4C5 (H4 clustered histone 5; plus strand). Cytogenetic location: 6p22.2.
Variant type: single nucleotide variant.
Coding change: c.221C>T on transcript NM_003545.4 (MANE Select); coding-DNA position 221, C replaced by T.
Protein change: p.Thr74Met; replaces threonine 74 with methionine.
Molecular consequence: missense variant.
Genome position (GRCh38, 1-based): chr6:26,204,865, C>T. VCF-style: chr6-26204865-C-T. GRCh37 (hg19) VCF-style: chr6-26205093-C-T.
Other names: short protein forms T74M.
Identifiers: ClinVar variation 2580829 (VCV002580829.2), dbSNP rs2480785248, ClinGen allele CA363200978.
Genomic context (GRCh38, chr6:26,204,865, plus strand): 5'-AGACTCGCGGGGTTCTGAAGGTGTTTCTGGAAAACGTGATTCGTGATGCTGTGACTTACA[C>T]GGAGCACGCCAAACGCAAGACAGTGACAGCGATGGATGTGGTCTACGCGCTGAAGAGACA-3'
Protein context (NP_003536.1, residues 64-84): ENVIRDAVTY[Thr74Met]EHAKRKTVTA